The following is an entry in ClinVar:

ClinVar aggregate classification (germline): Benign (1 of 4 stars; one submission).

Conditions:
Collagen 6-related myopathy. Identifiers: MedGen CN117976, MONDO:0100225.

Allele frequency attached by ClinVar (database versions not stated): TOPMed 0.00087; gnomAD 0.00103 and 0.00101; 1000 Genomes Project 0.00060; 1000 Genomes Project 30x 0.00078.

Submission:

Illumina Laboratory Services, Illumina
Classification: Benign for Collagen VI-related myopathy. Last evaluated: 2018-01-13. Review status: criteria provided, single submitter. Criteria: ICSL Variant Classification Criteria 13 December 2019. Collection method: clinical testing. Allele origin: germline.
Comment: This variant was observed in the ICSL laboratory as part of a predisposition screen in an ostensibly healthy population. It had not been previously curated by ICSL or reported in the Human Gene Mutation Database (HGMD: prior to June 1st, 2018), and was therefore a candidate for classification through an automated scoring system. Utilizing variant allele frequency, disease prevalence and penetrance estimates, and inheritance mode, an automated score was calculated to assess if this variant is too frequent to cause the disease. Based on the score and internal cut-off values, a variant classified as benign is not then subjected to further curation. The score for this variant resulted in a classification of benign for this disease.

NM_004369.4(COL6A3):c.-147G>A

Gene: COL6A3 (collagen type VI alpha 3 chain; minus strand). Cytogenetic location: 2q37.3.
Variant type: single nucleotide variant.
Coding change: c.-147G>A on transcript NM_004369.4 (MANE Select); 147 bases upstream of the start codon, G replaced by A.
Molecular consequence: 5 prime UTR variant.
Genome position (GRCh38, 1-based): chr2:237,414,069, C>T on the plus strand (G>A on the coding strand, the complement: COL6A3 is on the minus strand). VCF-style: chr2-237414069-C-T. GRCh37 (hg19) VCF-style: chr2-238322712-C-T.
Other names: c.-147G>A (NM_057164.5, NM_057165.5, NM_057166.5 and 1 more transcripts).
Identifiers: ClinVar variation 335149 (VCV000335149.5), dbSNP rs113567254, ClinGen allele CA10614901.
Genomic context (GRCh38, chr2:237,414,069, plus strand): 5'-ATAGGATGCATACTTTTCCCACTCACTGCGTCTCTTTTTCTTTTTGCAGCCTTTCTCCAC[C>T]AAAAAAGTGGAGACTCAGAGCTGCGGAGGAAAACTCTTGCAGTCCTTGCAGGAGGCTGGA-3'